The following is an entry in ClinVar:

NM_001365951.3(KIF1B):c.859G>A (p.Glu287Lys)

Gene: KIF1B (kinesin family member 1B; plus strand). Cytogenetic location: 1p36.22.
Variant type: single nucleotide variant.
Coding change: c.859G>A on transcript NM_001365951.3 (MANE Select); coding-DNA position 859, G replaced by A.
Protein change: p.Glu287Lys; replaces glutamic acid 287 with lysine.
Molecular consequence: missense variant.
Genome position (GRCh38, 1-based): chr1:10,272,301, G>A. VCF-style: chr1-10272301-G-A. GRCh37 (hg19) VCF-style: chr1-10332359-G-A.
Other names: c.859G>A, p.Glu287Lys (NM_001365952.1, NM_001365953.1, NM_015074.3 and 1 more transcripts); short protein forms E287K.
Identifiers: ClinVar variation 4043053 (VCV004043053.1).

ClinVar aggregate classification (germline): Uncertain significance (1 of 4 stars; one submission).

gnomAD v4.1: 3 of 1,599,320 alleles (0.00019%); highest among the groups gnomAD compares: Non-Finnish European, 0.00026%; no homozygotes.

Submission:

Ambry Genetics
Classification: Uncertain significance. Last evaluated: 2025-03-21. Review status: criteria provided, single submitter. Criteria: Ambry Variant Classification Scheme 2023. Collection method: clinical testing. Allele origin: germline.
Comment: The p.E287K variant (also known as c.859G>A), located in coding exon 8 of the KIF1B gene, results from a G to A substitution at nucleotide position 859. The glutamic acid at codon 287 is replaced by lysine, an amino acid with similar properties. This amino acid position is highly conserved in available vertebrate species. In addition, this alteration is predicted to be deleterious by in silico analysis. The evidence for this gene-disease relationship is limited; therefore, the clinical significance of this alteration is unclear.